The following is an entry in ClinVar:

NM_153240.5(NPHP3):c.920C>T (p.Thr307Ile)

Genes: NPHP3 (nephrocystin 3; minus strand), NPHP3-ACAD11 (NPHP3-ACAD11 readthrough (NMD candidate); minus strand). Cytogenetic location: 3q22.1.
Variant type: single nucleotide variant.
Coding change: c.920C>T on transcript NM_153240.5 (MANE Select); coding-DNA position 920, C replaced by T.
Protein change: p.Thr307Ile; replaces threonine 307 with isoleucine.
Molecular consequence: missense variant. On other transcripts: non-coding transcript variant (1).
Genome position (GRCh38, 1-based): chr3:132,715,122, G>A on the plus strand (C>T on the coding strand, the complement: NPHP3 is on the minus strand). VCF-style: chr3-132715122-G-A. GRCh37 (hg19) VCF-style: chr3-132433966-G-A.
Other names: short protein forms T307I.
Identifiers: ClinVar variation 1450327 (VCV001450327.6), dbSNP rs535433647, ClinGen allele CA2622468.

ClinVar aggregate classification (germline): Uncertain significance (1 of 4 stars; one submission).

Conditions:
Nephronophthisis. Also called: Juvenile Nephronophthisis. Identifiers: Orphanet 655, MedGen C0687120, MONDO:0019005, HP:0000090.

gnomAD v4.1: 5 of 1,612,296 alleles (0.00031%); highest among the groups gnomAD compares: South Asian, 0.0033%; no homozygotes.

Submission:

Labcorp Genetics (formerly Invitae), Labcorp
Classification: Uncertain significance for Nephronophthisis. Last evaluated: 2021-07-28. Review status: criteria provided, single submitter. Criteria: Invitae Variant Classification Sherloc (09022015). Collection method: clinical testing. Allele origin: germline.
Comment: In summary, the available evidence is currently insufficient to determine the role of this variant in disease. Therefore, it has been classified as a Variant of Uncertain Significance. Algorithms developed to predict the effect of missense changes on protein structure and function are either unavailable or do not agree on the potential impact of this missense change (SIFT: "Deleterious"; PolyPhen-2: "Possibly Damaging"; Align-GVGD: "Class C15"). This variant has not been reported in the literature in individuals affected with NPHP3-related conditions. This variant is present in population databases (rs535433647, ExAC 0.006%). This sequence change replaces threonine with isoleucine at codon 307 of the NPHP3 protein (p.Thr307Ile). The threonine residue is highly conserved and there is a moderate physicochemical difference between threonine and isoleucine.